The following is an entry in ClinVar:

NM_003718.5(CDK13):c.569G>A (p.Arg190His)

Genes: CDK13 (cyclin dependent kinase 13; plus strand), LOC129998293 (ATAC-STARR-seq lymphoblastoid silent region 18116; plus strand). Cytogenetic location: 7p14.1.
Variant type: single nucleotide variant.
Coding change: c.569G>A on transcript NM_003718.5 (MANE Select); coding-DNA position 569, G replaced by A.
Protein change: p.Arg190His; replaces arginine 190 with histidine.
Molecular consequence: missense variant.
Genome position (GRCh38, 1-based): chr7:39,951,210, G>A. VCF-style: chr7-39951210-G-A. GRCh37 (hg19) VCF-style: chr7-39990809-G-A.
Other names: c.569G>A, p.Arg190His (NM_031267.4); short protein forms R190H.
Identifiers: ClinVar variation 4057101 (VCV004057101.1).

ClinVar aggregate classification (germline): Uncertain significance (1 of 4 stars; one submission).

Submission:

GeneDx
Classification: Uncertain significance. Last evaluated: 2025-01-09. Review status: criteria provided, single submitter. Criteria: GeneDx Variant Classification Process June 2021. Collection method: clinical testing. Allele origin: germline. Affected: yes.
Comment: Not observed at significant frequency in large population cohorts (gnomAD); In silico analysis indicates that this missense variant does not alter protein structure/function; Has not been previously published as pathogenic or benign to our knowledge